The following is an entry in ClinVar:

NM_138576.4(BCL11B):c.1602C>G (p.Asp534Glu)

Gene: BCL11B (BCL11 transcription factor B; minus strand). Cytogenetic location: 14q32.2.
Variant type: single nucleotide variant.
Coding change: c.1602C>G on transcript NM_138576.4 (MANE Select); coding-DNA position 1602, C replaced by G.
Protein change: p.Asp534Glu; replaces aspartic acid 534 with glutamic acid.
Molecular consequence: missense variant.
Genome position (GRCh38, 1-based): chr14:99,175,234, G>C on the plus strand (C>G on the coding strand, the complement: BCL11B is on the minus strand). VCF-style: chr14-99175234-G-C. GRCh37 (hg19) VCF-style: chr14-99641571-G-C.
Other names: c.1599C>G, p.Asp533Glu (NM_001282237.2); c.1386C>G, p.Asp462Glu (NM_001282238.2); c.1389C>G, p.Asp463Glu (NM_022898.3); short protein forms D462E, D533E, D534E, D463E.
Identifiers: ClinVar variation 1941835 (VCV001941835.5), dbSNP rs1566793889, ClinGen allele CA390935014.

ClinVar aggregate classification (germline): Uncertain significance (1 of 4 stars; one submission).

gnomAD v4.1: 36 of 1,546,842 alleles (0.0023%); highest among the groups gnomAD compares: Middle Eastern, 0.017%; no homozygotes.

Submission:

Labcorp Genetics (formerly Invitae), Labcorp
Classification: Uncertain significance. Last evaluated: 2024-05-22. Review status: criteria provided, single submitter. Criteria: Invitae Variant Classification Sherloc (09022015). Collection method: clinical testing. Allele origin: germline.
Comment: This sequence change replaces aspartic acid, which is acidic and polar, with glutamic acid, which is acidic and polar, at codon 534 of the BCL11B protein (p.Asp534Glu). The frequency data for this variant in the population databases is considered unreliable, as metrics indicate poor data quality at this position in the gnomAD database. This variant has not been reported in the literature in individuals affected with BCL11B-related conditions. ClinVar contains an entry for this variant (Variation ID: 1941835). Advanced modeling of protein sequence and biophysical properties (such as structural, functional, and spatial information, amino acid conservation, physicochemical variation, residue mobility, and thermodynamic stability) performed at Invitae indicates that this missense variant is not expected to disrupt BCL11B protein function with a negative predictive value of 80%. In summary, the available evidence is currently insufficient to determine the role of this variant in disease. Therefore, it has been classified as a Variant of Uncertain Significance.